The following is an entry in ClinVar:

NM_024496.4(IRF2BPL):c.656C>A (p.Ser219Tyr)

Gene: IRF2BPL (interferon regulatory factor 2 binding protein like; minus strand). Cytogenetic location: 14q24.3.
Variant type: single nucleotide variant.
Coding change: c.656C>A on transcript NM_024496.4 (MANE Select); coding-DNA position 656, C replaced by A.
Protein change: p.Ser219Tyr; replaces serine 219 with tyrosine.
Molecular consequence: missense variant.
Genome position (GRCh38, 1-based): chr14:77,027,137, G>T on the plus strand (C>A on the coding strand, the complement: IRF2BPL is on the minus strand). VCF-style: chr14-77027137-G-T. GRCh37 (hg19) VCF-style: chr14-77493480-G-T.
Other names: c.656C>A (NM_024496.2); short protein forms S219Y.
Identifiers: ClinVar variation 1029898 (VCV001029898.3), dbSNP rs771575150, ClinGen allele CA390498900.

ClinVar aggregate classification (germline): Uncertain significance. Review status: criteria provided, multiple submitters, no conflicts (2 of 4 stars). 2 submissions from 2 submitters: Uncertain significance (2). Last evaluated 2021-11-12.

Conditions:
Neurodevelopmental disorder with regression, abnormal movements, loss of speech, and seizures. Identifiers: Orphanet 597623, MedGen C4748127, MONDO:0060759, OMIM 618088.
Inborn genetic diseases. Identifiers: MedGen C0950123, MeSH D030342.

Submissions (2):

Ambry Genetics
Classification: Uncertain significance for Inborn genetic diseases. Last evaluated: 2021-11-12. Review status: criteria provided, single submitter. Criteria: Ambry Variant Classification Scheme 2023. Collection method: clinical testing. Allele origin: germline.

Baylor Genetics
Classification: Uncertain significance for Neurodevelopmental disorder with regression, abnormal movements, loss of speech, and seizures. Last evaluated: 2019-05-08. Review status: criteria provided, single submitter. Criteria: ACMG Guidelines, 2015. Collection method: clinical testing. Allele origin: paternal. Affected: yes.
Comment: This variant was determined to be of uncertain significance according to ACMG Guidelines, 2015 [PMID:25741868].